The following is an entry in ClinVar:

ClinVar aggregate classification (germline): Uncertain significance (1 of 4 stars; one submission).

Conditions:
Charcot-Marie-Tooth disease type 2. Also called: Charcot-Marie-Tooth type 2. Identifiers: Orphanet 64746, MedGen C0270914, MONDO:0018993.

Allele frequency attached by ClinVar (database versions not stated): gnomAD exomes below 0.00001; TOPMed below 0.00001; gnomAD 0.00001.
gnomAD v4.1: 4 of 1,613,244 alleles (0.00025%); highest among the groups gnomAD compares: Non-Finnish European, 0.00025%; no homozygotes.

Submission:

Labcorp Genetics (formerly Invitae), Labcorp
Classification: Uncertain significance for Charcot-Marie-Tooth disease type 2. Last evaluated: 2022-03-09. Review status: criteria provided, single submitter. Criteria: Invitae Variant Classification Sherloc (09022015). Collection method: clinical testing. Allele origin: germline.
Comment: In summary, the available evidence is currently insufficient to determine the role of this variant in disease. Therefore, it has been classified as a Variant of Uncertain Significance. Algorithms developed to predict the effect of missense changes on protein structure and function (SIFT, PolyPhen-2, Align-GVGD) all suggest that this variant is likely to be tolerated. ClinVar contains an entry for this variant (Variation ID: 1003204). This variant has not been reported in the literature in individuals affected with AARS-related conditions. This variant is not present in population databases (gnomAD no frequency). This sequence change replaces glycine, which is neutral and non-polar, with arginine, which is basic and polar, at codon 799 of the AARS protein (p.Gly799Arg).

NM_001605.3(AARS1):c.2395G>A (p.Gly799Arg)

Gene: AARS1 (alanyl-tRNA synthetase 1; minus strand). Cytogenetic location: 16q22.1.
Variant type: single nucleotide variant.
Coding change: c.2395G>A on transcript NM_001605.3 (MANE Select); coding-DNA position 2395, G replaced by A.
Protein change: p.Gly799Arg; replaces glycine 799 with arginine.
Molecular consequence: missense variant.
Genome position (GRCh38, 1-based): chr16:70,254,626, C>T on the plus strand (G>A on the coding strand, the complement: AARS1 is on the minus strand). VCF-style: chr16-70254626-C-T. GRCh37 (hg19) VCF-style: chr16-70288529-C-T.
Other names: short protein forms G799R.
Identifiers: ClinVar variation 1003204 (VCV001003204.8), dbSNP rs1161734697, ClinGen allele CA396555589.
Genomic context (GRCh38, chr16:70,254,626, plus strand): 5'-GGGGCATGTTTCATGCACCAGGCCCTGAGGACGGAGGGAGGGAAGCCGCCCCTACCTCTC[C>T]AAGGTCAGCGATCTCCCTCTGCACATCCTTGTTTGGAGCAGTCTGAGCCTTCACTTTGGC-3'
Protein context (NP_001596.2, residues 789-809): KDVQREIADL[Gly799Arg]EALATAVIPQ